The following is an entry in ClinVar:

NC_000016.9:g.(?_31332542)_(31343028_?)dup

Gene: ITGAM (integrin subunit alpha M; plus strand). Cytogenetic location: 16p11.2.
Variant type: Duplication.
Identifiers: ClinVar variation 3243589 (VCV003243589.1).

ClinVar aggregate classification (germline): Uncertain significance (1 of 4 stars; one submission).

Submission:

Labcorp Genetics (formerly Invitae), Labcorp
Classification: Uncertain significance. Last evaluated: 2023-03-04. Review status: criteria provided, single submitter. Criteria: Invitae Variant Classification Sherloc (09022015). Collection method: clinical testing. Allele origin: unknown.
Comment: In summary, the available evidence is currently insufficient to determine the role of this variant in disease. Therefore, it has been classified as a Variant of Uncertain Significance. Experimental studies and prediction algorithms are not available or were not evaluated, and the functional significance of this variant is currently unknown. This variant has not been reported in the literature in individuals affected with ITGAM-related conditions. This variant results in a copy number gain of the genomic region encompassing exon(s) 15-30 of the ITGAM gene. This region includes the termination codon of the gene. This copy number gain extends beyond the assayed region for this gene and therefore may encompass additional genes. As the precise location of this event is unknown, it may be in tandem or it may be located elsewhere in the genome.